The following is an entry in ClinVar:

ClinVar aggregate classification (germline): Uncertain significance (1 of 4 stars; one submission).

Conditions:
Inborn genetic diseases. Identifiers: MedGen C0950123, MeSH D030342.

Submission:

Ambry Genetics
Classification: Uncertain significance for Inborn genetic diseases. Last evaluated: 2025-03-26. Review status: criteria provided, single submitter. Criteria: Ambry Variant Classification Scheme 2023. Collection method: clinical testing. Allele origin: germline.
Comment: The p.I83N variant (also known as c.248T>A), located in coding exon 2 of the SBDS gene, results from a T to A substitution at nucleotide position 248. The isoleucine at codon 83 is replaced by asparagine, an amino acid with dissimilar properties. This amino acid position is conserved. In addition, this alteration is predicted to be deleterious by in silico analysis. Based on the available evidence, the clinical significance of this variant remains unclear.

NM_016038.4(SBDS):c.248T>A (p.Ile83Asn)

Gene: SBDS (SBDS ribosome maturation factor; minus strand). Cytogenetic location: 7q11.21.
Variant type: single nucleotide variant.
Coding change: c.248T>A on transcript NM_016038.4 (MANE Select); coding-DNA position 248, T replaced by A.
Protein change: p.Ile83Asn; replaces isoleucine 83 with asparagine.
Molecular consequence: missense variant.
Genome position (GRCh38, 1-based): chr7:66,994,222, A>T on the plus strand (T>A on the coding strand, the complement: SBDS is on the minus strand). VCF-style: chr7-66994222-A-T. GRCh37 (hg19) VCF-style: chr7-66459209-A-T.
Other names: short protein forms I83N.
Identifiers: ClinVar variation 3950298 (VCV003950298.1).
Genomic context (GRCh38, chr7:66,994,222, plus strand): 5'-ATACGTTATAAATGGTTATTAGGGTTAGCTATGCTGCAGCTGTTACCCACCTGCTTACAG[A>T]TTTCAGTTTGGTCATCTGTTCCAAACGCACTGATGAGATCTTCCTTTTTGGCAACCTGAC-3'
Protein context (NP_057122.2, residues 73-93): SAFGTDDQTE[Ile83Asn]CKQILTKGEV